The following is an entry in ClinVar:

NM_001080517.3(SETD5):c.177+1G>A

Gene: SETD5 (SET domain containing 5; plus strand). Cytogenetic location: 3p25.3.
Variant type: single nucleotide variant.
Coding change: c.177+1G>A on transcript NM_001080517.3 (MANE Select); the canonical splice donor site of the intron after coding-DNA position 177, G replaced by A.
Molecular consequence: splice donor variant.
Genome position (GRCh38, 1-based): chr3:9,433,951, G>A. VCF-style: chr3-9433951-G-A. GRCh37 (hg19) VCF-style: chr3-9475635-G-A.
Other names: c.-198+1G>A (NM_001349451.2); c.-157+1G>A (NM_001292043.2).
Identifiers: ClinVar variation 3370316 (VCV003370316.2).

ClinVar aggregate classification (germline): Likely pathogenic. Review status: criteria provided, single submitter (1 of 4 stars). 2 submissions from 2 submitters: Likely pathogenic (1). 1 of the submissions does not count toward it. Last evaluated 2024-09-25.

Conditions:
Intellectual disability-facial dysmorphism syndrome due to SETD5 haploinsufficiency (MRD23). Also called: Intellectual developmental disorder, autosomal dominant 23. Identifiers: Orphanet 404440, MedGen C3810406, MONDO:0014336, OMIM 615761.

Submissions (2):

MVZ Medizinische Genetik Mainz
Classification: Likely pathogenic for Intellectual disability-facial dysmorphism syndrome due to SETD5 haploinsufficiency. Last evaluated: 2024-09-25. Review status: criteria provided, single submitter. Criteria: UK Practice Guidelines For Variant Classification V4 01 2020. Collection method: clinical testing. Allele origin: germline. Inheritance: Autosomal dominant inheritance. Affected: yes. Observed: 1 variant allele.
Comment: ACMG Criteria: PVS1,PM2_SUP

Hong-Tao Li Lab, Institute of Brain Science and Brain-inspired Research, Shandong First Medical University & Shandong Academy of Medical Sciences China
Classification: Pathogenic for Intellectual disability-facial dysmorphism syndrome due to SETD5 haploinsufficiency. Review status: no assertion criteria provided. Collection method: research. Allele origin: germline. Inheritance: Autosomal dominant inheritance. Affected: yes. Observed: 1 variant allele, 1 heterozygote. Not counted in ClinVar's aggregate classification.
Comment: Observed in affected individuals from a Pakistani neurodevelopmental-disorder research cohort of 263 individuals. Classification assigned using the ACMG/AMP framework.